The following is an entry in ClinVar:

NM_001164508.2(NEB):c.3187G>T (p.Gly1063Ter)

Gene: NEB (nebulin; minus strand). Cytogenetic location: 2q23.3.
Variant type: single nucleotide variant.
Coding change: c.3187G>T on transcript NM_001164508.2 (MANE Select); coding-DNA position 3187, G replaced by T.
Protein change: p.Gly1063Ter; replaces glycine 1063 with a stop codon.
Molecular consequence: nonsense.
Genome position (GRCh38, 1-based): chr2:151,679,789, C>A on the plus strand (G>T on the coding strand, the complement: NEB is on the minus strand). VCF-style: chr2-151679789-C-A. GRCh37 (hg19) VCF-style: chr2-152536303-C-A.
Other names: c.3187G>T, p.Gly1063Ter (NM_001164507.2, NM_001271208.2, NM_004543.5); short protein forms G1063*.
Identifiers: ClinVar variation 1726840 (VCV001726840.2), dbSNP rs1343328054, ClinGen allele CA348820227.

ClinVar aggregate classification (germline): Likely pathogenic (1 of 4 stars; one submission).

Conditions:
Nemaline myopathy 2 (NEM2). Also called: Nemaline myopathy 2, autosomal recessive. Identifiers: MedGen C1850569, MONDO:0009725, OMIM 256030.

Submission:

Myriad Genetics, Inc.
Classification: Likely pathogenic for Nemaline myopathy 2. Last evaluated: 2022-01-02. Review status: criteria provided, single submitter. Criteria: Myriad Women's Health Autosomal Recessive and X-Linked Classification Criteria (2021). Collection method: clinical testing. Allele origin: unknown.
Comment: NM_001271208.1(NEB):c.3187G>T(G1063*) is expected to be pathogenic in the context of NEB-related nemaline myopathy. This variant is predicted to lead to an abnormal or absent protein product due to the creation of a premature termination codon in NEB, a gene where loss-of-function variants are known to be pathogenic. Please note: this variant was assessed in the context of healthy population screening.